The following is an entry in ClinVar:

ClinVar aggregate classification (germline): Uncertain significance (1 of 4 stars; one submission).

Conditions:
TTN-related disorder. Also called: TTN-related condition; TTN-related disease; TTN-related disorders.

Allele frequency attached by ClinVar (database versions not stated): gnomAD exomes below 0.00001.
gnomAD v4.1: 3 of 1,596,206 alleles (0.00019%); highest among the groups gnomAD compares: East Asian, 0.0023%; no homozygotes.

Submission:

PreventionGenetics, part of Exact Sciences
Classification: Uncertain significance for TTN-related condition. Last evaluated: 2023-08-28. Review status: criteria provided, single submitter. Criteria: ACMG Guidelines, 2015. Collection method: clinical testing. Allele origin: germline.
Comment: The TTN c.40525C>A variant is predicted to result in the amino acid substitution p.Pro13509Thr. To our knowledge, this variant has not been reported in the literature or in a large population database, indicating this variant is rare. At this time, the clinical significance of this variant is uncertain due to the absence of conclusive functional and genetic evidence.

NM_001267550.2(TTN):c.40525C>A (p.Pro13509Thr)

Gene: TTN (titin; minus strand). Cytogenetic location: 2q31.2.
Variant type: single nucleotide variant.
Coding change: c.40525C>A on transcript NM_001267550.2 (MANE Select); coding-DNA position 40525, C replaced by A.
Protein change: p.Pro13509Thr; replaces proline 13509 with threonine.
Molecular consequence: missense variant.
Genome position (GRCh38, 1-based): chr2:178,642,270, G>T on the plus strand (C>A on the coding strand, the complement: TTN is on the minus strand). VCF-style: chr2-178642270-G-T. GRCh37 (hg19) VCF-style: chr2-179506997-G-T.
Other names: c.35602C>A, p.Pro11868Thr (NM_001256850.1); c.13330C>A, p.Pro4444Thr (NM_003319.4); c.32821C>A, p.Pro10941Thr (NM_133378.4); c.13705C>A, p.Pro4569Thr (NM_133432.3); c.13906C>A, p.Pro4636Thr (NM_133437.4); short protein forms P10941T, P11868T, P13509T, P4444T, P4569T, P4636T.
Identifiers: ClinVar variation 2629097 (VCV002629097.1), dbSNP rs2471893547, ClinGen allele CA349664748.